The following is an entry in ClinVar:

NM_206933.4(USH2A):c.6706del (p.Thr2236fs)

Gene: USH2A (usherin; minus strand). Cytogenetic location: 1q41.
Variant type: Deletion.
Coding change: c.6706del on transcript NM_206933.4 (MANE Select); coding-DNA position 6706, one base deleted (A; older notation c.6706delA).
Protein change: p.Thr2236fs; shifts the reading frame from threonine 2236.
Molecular consequence: frameshift variant.
Genome position (GRCh38, 1-based): chr1:215,993,119, T deleted on the plus strand (A on the coding strand, the reverse complement: USH2A is on the minus strand); the first of 2 consecutive T bases (chr1:215,993,119-215,993,120); deleting either gives the same sequence. VCF-style (leftmost placement, unchanged base first): chr1-215993118-GT-G. GRCh37 (hg19) VCF-style: chr1-216166460-GT-G.
Other names: short protein forms T2236fs.
Identifiers: ClinVar variation 2738651 (VCV002738651.4), dbSNP rs2527606430, ClinGen allele CA2697554916.
Genomic context (GRCh38, chr1:215,993,118, plus strand): 5'-GAGTCAGGTGAATATGAGTGGGCTTTGGGGGCTGGCACGCCTTCGGGTATGTCCTCGTCA[GT>G]TAGGGCCTCACTGGCCTCACTCACTGTGCACCCACCACCTGTGCAAGCCTAAACAGAGAT-3'

ClinVar aggregate classification (germline): Pathogenic/Likely pathogenic. Review status: criteria provided, multiple submitters, no conflicts (2 of 4 stars). 2 submissions from 2 submitters: Pathogenic (1); Likely pathogenic (1). Last evaluated 2023-09-10.

Conditions:
USH2A-related disorder. Also called: USH2A-related disorders; USH2A-related condition. Identifiers: MedGen CN239332.

Submissions (2):

Labcorp Genetics (formerly Invitae), Labcorp
Classification: Pathogenic. Last evaluated: 2023-09-10. Review status: criteria provided, single submitter. Criteria: Invitae Variant Classification Sherloc (09022015). Collection method: clinical testing. Allele origin: germline.
Comment: For these reasons, this variant has been classified as Pathogenic. This variant has not been reported in the literature in individuals affected with USH2A-related conditions. This variant is not present in population databases (gnomAD no frequency). This sequence change creates a premature translational stop signal (p.Thr2236Leufs*43) in the USH2A gene. It is expected to result in an absent or disrupted protein product. Loss-of-function variants in USH2A are known to be pathogenic (PMID: 10729113, 10909849, 20507924, 25649381).

Blueprint Genetics
Classification: Likely pathogenic for USH2A-related disorders. Last evaluated: 2021-11-06. Review status: criteria provided, single submitter. Criteria: ACMG Guidelines, 2015. Collection method: clinical testing. Allele origin: germline. Affected: yes. Observed: 1 variant allele.

Literature cited by the submitters: PubMed 10729113 (cited by Labcorp Genetics (formerly Invitae), Labcorp); PubMed 10909849 (cited by Labcorp Genetics (formerly Invitae), Labcorp); PubMed 20507924 (cited by Labcorp Genetics (formerly Invitae), Labcorp); PubMed 25649381 (cited by Labcorp Genetics (formerly Invitae), Labcorp).